The following is an entry in ClinVar:

ClinVar aggregate classification (germline): Uncertain significance (0 of 4 stars; one submission).

Conditions:
CHCHD10-related disorder. Also called: CHCHD10-related condition; CHCHD10-Related Disorders. Identifiers: MedGen CN381526.

Submission:

PreventionGenetics, part of Exact Sciences
Classification: Uncertain significance for CHCHD10-related condition. Last evaluated: 2024-03-29. Review status: no assertion criteria provided. Collection method: clinical testing. Allele origin: germline.
Comment: The CHCHD10 c.338C>G variant is predicted to result in the amino acid substitution p.Ser113Cys. To our knowledge, this variant has not been reported in the literature or in gnomAD, indicating this variant is rare. At this time, the clinical significance of this variant is uncertain due to the absence of conclusive functional and genetic evidence.

NM_213720.3(CHCHD10):c.338C>G (p.Ser113Cys)

Gene: CHCHD10 (coiled-coil-helix-coiled-coil-helix domain containing 10; minus strand). Cytogenetic location: 22q11.23.
Variant type: single nucleotide variant.
Coding change: c.338C>G on transcript NM_213720.3 (MANE Select); coding-DNA position 338, C replaced by G.
Protein change: p.Ser113Cys; replaces serine 113 with cysteine.
Molecular consequence: missense variant. On other transcripts: non-coding transcript variant (2).
Genome position (GRCh38, 1-based): chr22:23,766,199, G>C on the plus strand (C>G on the coding strand, the complement: CHCHD10 is on the minus strand). VCF-style: chr22-23766199-G-C. GRCh37 (hg19) VCF-style: chr22-24108386-G-C.
Other names: c.359C>G, p.Ser120Cys (NM_001301339.2); short protein forms S113C, S120C.
Identifiers: ClinVar variation 3345619 (VCV003345619.1).
Genomic context (GRCh38, chr22:23,766,199, plus strand): 5'-TTGCACTGCTTCAGGGCCTCGCTGAAGCCCTCACACAGGGACAGGTCACTCTGAGTGGTG[G>C]AACAGTCCAGGAACTGCCTGATCTCGTAGGCGCAGGGCCCCATCTGCAGGGGCTGGGGGG-3'
Protein context (NP_998885.1, residues 103-123): AYEIRQFLDC[Ser113Cys]TTQSDLSLCE